The following is an entry in ClinVar:

ClinVar aggregate classification (germline): Uncertain significance (1 of 4 stars; one submission).

Submission:

Dasa
Classification: Uncertain significance. Last evaluated: 2025-09-21. Review status: criteria provided, single submitter. Criteria: DASA Assertion Criteria. Collection method: clinical testing. Allele origin: germline.
Comment: NM_001379286.1(ZNF423):c.1715C>G (p.Ser572Cys) is a missense variant that results in the substitution of serine with cysteine. This variant is absent from population databases. The currently available literature and clinical evidence are not sufficient to establish a definitive association between this variant and the reported condition. Therefore, this variant is classified as a variant of uncertain significance.

NM_001379286.1(ZNF423):c.1715C>G (p.Ser572Cys)

Gene: ZNF423 (zinc finger protein 423; minus strand). Cytogenetic location: 16q12.1.
Variant type: single nucleotide variant.
Coding change: c.1715C>G on transcript NM_001379286.1 (MANE Select); coding-DNA position 1715, C replaced by G.
Protein change: p.Ser572Cys; replaces serine 572 with cysteine.
Molecular consequence: missense variant.
Genome position (GRCh38, 1-based): chr16:49,637,461, G>C on the plus strand (C>G on the coding strand, the complement: ZNF423 is on the minus strand). VCF-style: chr16-49637461-G-C. GRCh37 (hg19) VCF-style: chr16-49671372-G-C.
Other names: c.1511C>G, p.Ser504Cys (NM_001271620.2); c.1340C>G, p.Ser447Cys (NM_001330533.2); c.1691C>G, p.Ser564Cys (NM_015069.5); short protein forms S447C, S504C, S564C, S572C.
Identifiers: ClinVar variation 4883273 (VCV004883273.2).